The following is an entry in ClinVar:

ClinVar aggregate classification (germline): Uncertain significance (1 of 4 stars; one submission).

Conditions:
STAT3 gain of function. Identifiers: MedGen C4288261.
Hyper-IgE recurrent infection syndrome 1, autosomal dominant. Also called: JOB SYNDROME; HYPER-IgE SYNDROME 1, AUTOSOMAL DOMINANT, WITH RECURRENT INFECTIONS; STAT3 Hyper IgE Syndrome; Hyper-IgE recurrent infection syndrome 1; Job's Syndrome. Identifiers: Orphanet 2314, MedGen C2936739, MONDO:0007818, OMIM 147060.

Allele frequency attached by ClinVar (database versions not stated): TOPMed below 0.00001.

Submission:

Labcorp Genetics (formerly Invitae), Labcorp
Classification: Uncertain significance for STAT3 gain of function; Hyper-IgE recurrent infection syndrome 1, autosomal dominant. Last evaluated: 2020-11-12. Review status: criteria provided, single submitter. Criteria: Invitae Variant Classification Sherloc (09022015). Collection method: clinical testing. Allele origin: germline.
Comment: In summary, the available evidence is currently insufficient to determine the role of this variant in disease. Therefore, it has been classified as a Variant of Uncertain Significance. Algorithms developed to predict the effect of missense changes on protein structure and function are either unavailable or do not agree on the potential impact of this missense change (SIFT: "Tolerated"; PolyPhen-2: "Possibly Damaging"; Align-GVGD: "Class C0"). This variant has not been reported in the literature in individuals with STAT3-related disease. This variant is not present in population databases (ExAC no frequency). This sequence change replaces glutamic acid with lysine at codon 506 of the STAT3 protein (p.Glu506Lys). The glutamic acid residue is highly conserved and there is a small physicochemical difference between glutamic acid and lysine.

NM_139276.3(STAT3):c.1516G>A (p.Glu506Lys)

Gene: STAT3 (signal transducer and activator of transcription 3; minus strand). Cytogenetic location: 17q21.2.
Variant type: single nucleotide variant.
Coding change: c.1516G>A on transcript NM_139276.3 (MANE Select); coding-DNA position 1516, G replaced by A.
Protein change: p.Glu506Lys; replaces glutamic acid 506 with lysine.
Molecular consequence: missense variant.
Genome position (GRCh38, 1-based): chr17:42,324,795, C>T on the plus strand (G>A on the coding strand, the complement: STAT3 is on the minus strand). VCF-style: chr17-42324795-C-T. GRCh37 (hg19) VCF-style: chr17-40476813-C-T.
Other names: c.1516G>A, p.Glu506Lys (NM_001369512.1, NM_001369513.1, NM_001369514.1 and 10 more transcripts); c.1432G>A, p.Glu478Lys (NM_001384984.1); c.1438G>A, p.Glu480Lys (NM_001384985.1); c.1531G>A, p.Glu511Lys (NM_001384986.1, NM_001384990.1); c.1495G>A, p.Glu499Lys (NM_001384987.1); c.1420G>A, p.Glu474Lys (NM_001384989.1); c.1456G>A, p.Glu486Lys (NM_001384992.1); short protein forms E506K, E474K, E478K, E480K, E486K, E499K, E511K.
Identifiers: ClinVar variation 659139 (VCV000659139.9), dbSNP rs1598397096, ClinGen allele CA399586578.
Genomic context (GRCh38, chr17:42,324,795, plus strand): 5'-TCAGCTGCTCGATGCTCAGTCCTCGCTTGGTGGTGGAGGAGAACTGCCAGCTCAGGACCT[C>T]GGCCACTTGATCCCAGGTTCCAATTGGGGGCTTGGTAAAAAAGTTTACATTCTATTGGAA-3'
Protein context (NP_644805.1, residues 496-516): PPIGTWDQVA[Glu506Lys]VLSWQFSSTT